The following is an entry in ClinVar:

ClinVar aggregate classification (germline): Likely benign. Review status: criteria provided, single submitter (1 of 4 stars). 2 submissions from 2 submitters: Likely benign (1). 1 of the submissions does not count toward it. Last evaluated 2023-04-01.

Conditions:
DCHS2-related disorder. Also called: DCHS2-related condition.

Allele frequency attached by ClinVar (database versions not stated): 1000 Genomes Project 0.00200; 1000 Genomes Project 30x 0.00203; ExAC 0.00577; gnomAD 0.00600; TOPMed 0.00623; ESP Exome Variant Server 0.00800; gnomAD exomes 0.00995.
gnomAD v4.1: 15,353 of 1,609,408 alleles (0.95%); highest among the groups gnomAD compares: Non-Finnish European, 1.2%; 106 homozygotes.

Submissions (2):

CeGaT Center for Human Genetics Tuebingen
Classification: Likely benign. Last evaluated: 2023-04-01. Review status: criteria provided, single submitter. Criteria: CeGaT Center For Human Genetics Tuebingen Variant Classification Criteria Version 2. Collection method: clinical testing. Allele origin: germline. Affected: yes. Observed: 3 variant alleles.
Comment: DCHS2: BP4, BS2

PreventionGenetics, part of Exact Sciences
Classification: Benign for DCHS2-related condition. Last evaluated: 2019-02-27. Review status: no assertion criteria provided. Collection method: clinical testing. Allele origin: germline. Not counted in ClinVar's aggregate classification.
Comment: This variant is classified as benign based on ACMG/AMP sequence variant interpretation guidelines (Richards et al. 2015 PMID: 25741868, with internal and published modifications).

NM_001358235.2(DCHS2):c.3974C>T (p.Pro1325Leu)

Gene: DCHS2 (dachsous cadherin-related 2; minus strand). Cytogenetic location: 4q31.3.
Variant type: single nucleotide variant.
Coding change: c.3974C>T on transcript NM_001358235.2 (MANE Select); coding-DNA position 3974, C replaced by T.
Protein change: p.Pro1325Leu; replaces proline 1325 with leucine.
Molecular consequence: missense variant.
Genome position (GRCh38, 1-based): chr4:154,328,137, G>A on the plus strand (C>T on the coding strand, the complement: DCHS2 is on the minus strand). VCF-style: chr4-154328137-G-A. GRCh37 (hg19) VCF-style: chr4-155249289-G-A.
Other names: c.3974C>T (NM_001358235.1); c.3974C>T, p.Pro1325Leu (NM_001142552.2, NM_001412223.1); short protein forms P1325L.
Identifiers: ClinVar variation 2655139 (VCV002655139.25), dbSNP rs111557030, ClinGen allele CA3113012.